The following is an entry in ClinVar:

ClinVar aggregate classification (germline): Uncertain significance (1 of 4 stars; one submission).

Conditions:
Bardet-Biedl syndrome (BBS). Identifiers: Orphanet 110, MedGen C0752166, MONDO:0015229.

Submission:

Labcorp Genetics (formerly Invitae), Labcorp
Classification: Uncertain significance for Bardet-Biedl syndrome. Last evaluated: 2021-06-16. Review status: criteria provided, single submitter. Criteria: Invitae Variant Classification Sherloc (09022015). Collection method: clinical testing. Allele origin: germline.
Comment: In summary, the available evidence is currently insufficient to determine the role of this variant in disease. Therefore, it has been classified as a Variant of Uncertain Significance. Algorithms developed to predict the effect of missense changes on protein structure and function (SIFT, PolyPhen-2, Align-GVGD) all suggest that this variant is likely to be disruptive, but these predictions have not been confirmed by published functional studies and their clinical significance is uncertain. This variant has not been reported in the literature in individuals with BBS2-related conditions. This variant is not present in population databases (ExAC no frequency). This sequence change replaces proline with threonine at codon 45 of the BBS2 protein (p.Pro45Thr). The proline residue is highly conserved and there is a small physicochemical difference between proline and threonine.

NM_031885.5(BBS2):c.133C>A (p.Pro45Thr)

Gene: BBS2 (Bardet-Biedl syndrome 2; minus strand). Cytogenetic location: 16q13.
Variant type: single nucleotide variant.
Coding change: c.133C>A on transcript NM_031885.5 (MANE Select); coding-DNA position 133, C replaced by A.
Protein change: p.Pro45Thr; replaces proline 45 with threonine.
Molecular consequence: missense variant. On other transcripts: non-coding transcript variant (5).
Genome position (GRCh38, 1-based): chr16:56,514,665, G>T on the plus strand (C>A on the coding strand, the complement: BBS2 is on the minus strand). VCF-style: chr16-56514665-G-T. GRCh37 (hg19) VCF-style: chr16-56548577-G-T.
Other names: c.133C>A, p.Pro45Thr (NM_001377456.1); short protein forms P45T.
Identifiers: ClinVar variation 1361518 (VCV001361518.8), dbSNP rs2144193766, ClinGen allele CA395986409.